The following is an entry in ClinVar:

NM_001126108.2(SLC12A3):c.2533del (p.Leu845fs)

Gene: SLC12A3 (solute carrier family 12 member 3; plus strand). Cytogenetic location: 16q13.
Variant type: Deletion.
Coding change: c.2533del on transcript NM_001126108.2 (MANE Select); coding-DNA position 2533, one base deleted (C; older notation c.2533delC).
Protein change: p.Leu845fs; shifts the reading frame from leucine 845.
Molecular consequence: frameshift variant.
Genome position (GRCh38, 1-based): chr16:56,894,542, C deleted; the last of 2 consecutive C bases (chr16:56,894,541-56,894,542); deleting either gives the same sequence. VCF-style (leftmost placement, unchanged base first): chr16-56894540-TC-T. GRCh37 (hg19) VCF-style: chr16-56928452-TC-T.
Other names: c.2560del, p.Leu854fs (NM_000339.3); c.2557del, p.Leu853fs (NM_001126107.2); c.2560delC (NM_000339.2); short protein forms L853fs, L845fs, L854fs.
Identifiers: ClinVar variation 586604 (VCV000586604.9), dbSNP rs754378340, ClinGen allele CA8069961.
Genomic context (GRCh38, chr16:56,894,540, plus strand): 5'-CTCTGTCCTGAGTGTATTCTTGTCATGACTCACGGGGACTCTCCTTGCCAGGCCTCACCC[TC>T]CTCATTCCCTATCTCCTTGGCCGCAAGAGGAGGTGGAGCAAATGCAAGATCCGTGTGTTC-3'

ClinVar aggregate classification (germline): Pathogenic. Review status: criteria provided, multiple submitters, no conflicts (2 of 4 stars). 5 submissions from 5 submitters: Pathogenic (4). 1 of the submissions does not count toward it. Last evaluated 2024-02-13.

Conditions:
Inborn genetic diseases. Identifiers: MedGen C0950123, MeSH D030342.
Familial hypokalemia-hypomagnesemia (GTLMNS). Also called: HYPOMAGNESEMIA-HYPOKALEMIA, PRIMARY RENOTUBULAR, WITH HYPOCALCIURIA; POTASSIUM AND MAGNESIUM DEPLETION; gitelman syndrome. Identifiers: Orphanet 358, MedGen C0268450, MONDO:0009904, OMIM 263800.

Submissions (5):

Labcorp Genetics (formerly Invitae), Labcorp
Classification: Pathogenic. Last evaluated: 2024-02-13. Review status: criteria provided, single submitter. Criteria: Invitae Variant Classification Sherloc (09022015). Collection method: clinical testing. Allele origin: germline.
Comment: This sequence change creates a premature translational stop signal (p.Leu854Serfs*21) in the SLC12A3 gene. It is expected to result in an absent or disrupted protein product. Loss-of-function variants in SLC12A3 are known to be pathogenic (PMID: 20848653, 22009145, 25841442). This variant is present in population databases (rs754378340, gnomAD 0.0009%). This premature translational stop signal has been observed in individual(s) with Gitelman syndrome (PMID: 25422309). ClinVar contains an entry for this variant (Variation ID: 586604). For these reasons, this variant has been classified as Pathogenic.

Fulgent Genetics
Classification: Pathogenic for Familial hypokalemia-hypomagnesemia. Last evaluated: 2022-03-18. Review status: criteria provided, single submitter. Criteria: ACMG Guidelines, 2015. Collection method: clinical testing. Allele origin: unknown.

Ambry Genetics
Classification: Pathogenic for Inborn genetic diseases. Last evaluated: 2021-02-22. Review status: criteria provided, single submitter. Criteria: Ambry Variant Classification Scheme 2023. Collection method: clinical testing. Allele origin: germline.
Comment: The c.2560delC (p.L854Sfs*21) alteration, located in coding exon 22 of the SLC12A3 gene, consists of a deletion of one nucleotide at position 2560, causing a translational frameshift with a predicted alternate stop codon after 21 amino acids. This alteration is expected to result in loss of function by premature protein truncation or nonsense-mediated mRNA decay. Based on the available evidence, this alteration is classified as pathogenic.

Athena Diagnostics
Classification: Pathogenic. Last evaluated: 2018-04-06. Review status: criteria provided, single submitter. Criteria: Athena Diagnostics Criteria. Collection method: clinical testing. Allele origin: germline.

Natera, Inc.
Classification: Pathogenic for Gitelman syndrome. Last evaluated: 2021-03-02. Review status: no assertion criteria provided. Collection method: clinical testing. Allele origin: germline. Not counted in ClinVar's aggregate classification.

Literature cited by the submitters: PubMed 20848653 (cited by Labcorp Genetics (formerly Invitae), Labcorp); PubMed 22009145 (cited by Labcorp Genetics (formerly Invitae), Labcorp); PubMed 25841442 (cited by Labcorp Genetics (formerly Invitae), Labcorp); PubMed 25422309 (cited by 3 submitters).